The following is an entry in ClinVar:

ClinVar aggregate classification (germline): Likely benign (0 of 4 stars; one submission).

Conditions:
TBC1D7-related disorder. Also called: TBC1D7-related condition.

Allele frequency attached by ClinVar (database versions not stated): TOPMed below 0.00001; gnomAD exomes 0.00001.
gnomAD v4.1: 3 of 1,613,900 alleles (0.00019%); highest among the groups gnomAD compares: Admixed American, 0.005%; no homozygotes.

Submission:

PreventionGenetics, part of Exact Sciences
Classification: Likely benign for TBC1D7-related condition. Last evaluated: 2020-09-23. Review status: no assertion criteria provided. Collection method: clinical testing. Allele origin: germline.
Comment: This variant is classified as likely benign based on ACMG/AMP sequence variant interpretation guidelines (Richards et al. 2015 PMID: 25741868, with internal and published modifications).

NM_016495.6(TBC1D7):c.378A>T (p.Pro126=)

Genes: TBC1D7 (TBC1 domain family member 7; minus strand), TBC1D7-LOC100130357 (TBC1D7-LOC100130357 readthrough; minus strand). Cytogenetic location: 6p24.1.
Variant type: single nucleotide variant.
Coding change: c.378A>T on transcript NM_016495.6 (MANE Select); coding-DNA position 378, A replaced by T.
Protein change: p.Pro126=; no amino-acid change (proline 126 retained).
Molecular consequence: synonymous variant. On other transcripts: non-coding transcript variant (1).
Genome position (GRCh38, 1-based): chr6:13,320,911, T>A on the plus strand (A>T on the coding strand, the complement: TBC1D7 is on the minus strand). VCF-style: chr6-13320911-T-A. GRCh37 (hg19) VCF-style: chr6-13321143-T-A.
Other names: c.378A>T, p.Pro126= (NM_001318809.2, NM_001143964.4, NM_001143965.4 and 2 more transcripts); c.297A>T, p.Pro99= (NM_001143966.4, NM_001318806.2).
Identifiers: ClinVar variation 3032934 (VCV003032934.2), dbSNP rs1783991876, ClinGen allele CA448880159.